The following is an entry in ClinVar:

ClinVar aggregate classification (germline): Uncertain significance (1 of 4 stars; one submission).

Conditions:
Hereditary cancer-predisposing syndrome. Also called: Tumor predisposition; Hereditary Cancer Syndrome; Neoplastic Syndromes, Hereditary; Hereditary neoplastic syndrome. Identifiers: Orphanet 140162, MedGen C0027672, MeSH D009386, MONDO:0015356.

Submission:

Ambry Genetics
Classification: Uncertain significance for Hereditary cancer-predisposing syndrome. Last evaluated: 2024-05-08. Review status: criteria provided, single submitter. Criteria: Ambry Variant Classification Scheme 2023. Collection method: clinical testing. Allele origin: germline.
Comment: The p.E1012K variant (also known as c.3034G>A), located in coding exon 4 of the MSH6 gene, results from a G to A substitution at nucleotide position 3034. The glutamic acid at codon 1012 is replaced by lysine, an amino acid with similar properties. This amino acid position is highly conserved in available vertebrate species. In addition, this alteration is predicted to be deleterious by in silico analysis. Based on the available evidence, the clinical significance of this variant remains unclear.

NM_000179.3(MSH6):c.3034G>A (p.Glu1012Lys)

Gene: MSH6 (mutS homolog 6; plus strand). Cytogenetic location: 2p16.3.
Variant type: single nucleotide variant.
Coding change: c.3034G>A on transcript NM_000179.3 (MANE Select); coding-DNA position 3034, G replaced by A.
Protein change: p.Glu1012Lys; replaces glutamic acid 1012 with lysine.
Molecular consequence: missense variant.
Genome position (GRCh38, 1-based): chr2:47,801,017, G>A. VCF-style: chr2-47801017-G-A. GRCh37 (hg19) VCF-style: chr2-48028156-G-A.
Other names: c.2644G>A, p.Glu882Lys (NM_001281492.2); c.2128G>A, p.Glu710Lys (NM_001281493.2, NM_001281494.2); short protein forms E1012K, E710K, E882K.
Identifiers: ClinVar variation 822677 (VCV000822677.5), dbSNP rs1572729816, ClinGen allele CA346756466.